The following is an entry in ClinVar:

NM_001199397.3(NEK1):c.2163G>A (p.Arg721=)

Gene: NEK1 (NIMA related kinase 1; minus strand). Cytogenetic location: 4q33.
Variant type: single nucleotide variant.
Coding change: c.2163G>A on transcript NM_001199397.3 (MANE Select); coding-DNA position 2163, G replaced by A.
Protein change: p.Arg721=; no amino-acid change (arginine 721 retained).
Molecular consequence: synonymous variant. On other transcripts: non-coding transcript variant (1).
Genome position (GRCh38, 1-based): chr4:169,477,474, C>T on the plus strand (G>A on the coding strand, the complement: NEK1 is on the minus strand). VCF-style: chr4-169477474-C-T. GRCh37 (hg19) VCF-style: chr4-170398625-C-T.
Other names: c.2031G>A, p.Arg677= (NM_001199398.3); c.1872G>A, p.Arg624= (NM_001199399.3); c.1947G>A, p.Arg649= (NM_001199400.3); c.2163G>A, p.Arg721= (NM_001374418.1); c.2079G>A, p.Arg693= (NM_001374419.1, NM_012224.4); c.2028G>A, p.Arg676= (NM_001374420.1); c.1857G>A, p.Arg619= (NM_001374421.1).
Identifiers: ClinVar variation 3004302 (VCV003004302.9), dbSNP rs778185269, ClinGen allele CA3137484.

ClinVar aggregate classification (germline): Likely benign. Review status: criteria provided, multiple submitters, no conflicts (2 of 4 stars). 3 submissions from 3 submitters: Likely benign (3). Last evaluated 2025-12-01.

Conditions:
Short-rib thoracic dysplasia 6 with or without polydactyly (SRTD6). Also called: SHORT RIB-POLYDACTYLY SYNDROME, TYPE IIA; POLYDACTYLY WITH NEONATAL CHONDRODYSTROPHY, TYPE II; SHORT-RIB THORACIC DYSPLASIA 6 WITH POLYDACTYLY; SHORT-RIB THORACIC DYSPLASIA 6 WITHOUT POLYDACTYLY; Majewski Syndrome. Identifiers: MedGen C0024507, MONDO:0009894, OMIM 263520.

Allele frequency attached by ClinVar (database versions not stated): ExAC 0.00001; TOPMed 0.00002; gnomAD 0.00003; gnomAD exomes 0.00003.
gnomAD v4.1: 45 of 1,607,288 alleles (0.0028%); highest among the groups gnomAD compares: Middle Eastern, 0.017%; no homozygotes.

Submissions (3):

CeGaT Center for Human Genetics Tuebingen
Classification: Likely benign. Last evaluated: 2025-12-01. Review status: criteria provided, single submitter. Criteria: CeGaT Center For Human Genetics Tuebingen Variant Classification Criteria Version 2. Collection method: clinical testing. Allele origin: germline. Affected: yes. Observed: 1 variant allele.
Comment: NEK1: BP4, BP7

Laboratory of Genetics, Children's Clinical University Hospital Latvia
Classification: Likely benign. Last evaluated: 2025-02-16. Review status: criteria provided, single submitter. Criteria: ACMG Guidelines, 2015. Collection method: clinical testing. Allele origin: germline. Affected: yes.

Labcorp Genetics (formerly Invitae), Labcorp
Classification: Likely benign for Short-rib thoracic dysplasia 6 with or without polydactyly. Last evaluated: 2024-10-15. Review status: criteria provided, single submitter. Criteria: Invitae Variant Classification Sherloc (09022015). Collection method: clinical testing. Allele origin: germline.